The following continues an entry in ClinVar:

NM_001267550.2(TTN):c.835C>T (p.Arg279Trp)

Gene: TTN. ClinVar aggregate classification (germline): Conflicting classifications of pathogenicity. Uncertain significance (11); Likely benign (7).

Submissions 18 to 25 of 25:

Biesecker Lab/Clinical Genomics Section, National Institutes of Health
Classification: Uncertain significance. Last evaluated: 2013-06-24. Review status: criteria provided, single submitter. Criteria: Ng et al. (Circ Cardiovasc Genet. 2013). Collection method: research. Allele origin: unknown. Observed: 1 variant allele. Study: ClinSeq.
Comment: The study set was not selected for affection status in relation to any cancer. Pathogenicity categories were based on literature curation. See Pubmed ID:23861362 for details.

Medical sequencing

GeneDx
No classification provided. Last evaluated: 2014-09-04. Review status: no classification provided. Criteria: GeneDx Variant Classification (06012015). Collection method: clinical testing. Allele origin: germline. Affected: yes. Not counted in ClinVar's aggregate classification.
Comment: Missense variants in the TTN gene are considered 'unclassified' if they are not previously reported in the literature and do not have >1% frequency in the population to be considered a polymorphism. Research indicates that truncating mutations in the TTN gene are expected to account for approximately 25% of familial and 18% of sporadic idiopathic DCM; however, truncating variants in the TTN gene have been reported in approximately 3% of reported control alleles. There has been little investigation into non-truncating variants. (Herman D et al. Truncations of titin causing dilated cardiomyopathy. N Eng J Med 366:619-628, 2012) The variant is found in CARDIOMYOPATHY panel(s).

OMIM
Classification: Pathogenic for MYOPATHY, MYOFIBRILLAR, 9, WITH EARLY RESPIRATORY FAILURE. Last evaluated: 2005-06-10. Review status: no assertion criteria provided. Collection method: literature only. Allele origin: germline. Not counted in ClinVar's aggregate classification.

Clinical Genetics DNA and cytogenetics Diagnostics Lab, Erasmus MC, Erasmus Medical Center
Classification: Uncertain significance. Review status: no assertion criteria provided. Collection method: clinical testing. Allele origin: germline. Affected: yes. Study: VKGL Data-share Consensus. Not counted in ClinVar's aggregate classification.

Clinical Genetics, Academic Medical Center
Classification: Uncertain significance. Review status: no assertion criteria provided. Collection method: clinical testing. Allele origin: germline. Affected: yes. Study: VKGL Data-share Consensus. Not counted in ClinVar's aggregate classification.

Diagnostic Laboratory, Department of Genetics, University Medical Center Groningen
Classification: Uncertain significance. Review status: no assertion criteria provided. Collection method: clinical testing. Allele origin: germline. Affected: yes. Study: VKGL Data-share Consensus. Not counted in ClinVar's aggregate classification.

Joint Genome Diagnostic Labs from Nijmegen and Maastricht, Radboudumc and MUMC+
Classification: Uncertain significance. Review status: no assertion criteria provided. Collection method: clinical testing. Allele origin: germline. Affected: yes. Study: VKGL Data-share Consensus. Not counted in ClinVar's aggregate classification.

Laboratory of Diagnostic Genome Analysis, Leiden University Medical Center (LUMC)
Classification: Uncertain significance. Review status: no assertion criteria provided. Collection method: clinical testing. Allele origin: germline. Affected: yes. Study: VKGL Data-share Consensus. Not counted in ClinVar's aggregate classification.

Literature cited by the submitters: PubMed 24558114 (cited by Women's Health and Genetics/Laboratory Corporation of America, LabCorp and Ambry Genetics); PubMed 27930701 (cited by Women's Health and Genetics/Laboratory Corporation of America, LabCorp and Ambry Genetics); PubMed 26516846 (cited by Women's Health and Genetics/Laboratory Corporation of America, LabCorp); PubMed 24231549 (cited by Women's Health and Genetics/Laboratory Corporation of America, LabCorp); PubMed 15802564 (cited by 3 submitters); PubMed 24105469 (cited by Women's Health and Genetics/Laboratory Corporation of America, LabCorp); PubMed 24578547 (cited by Women's Health and Genetics/Laboratory Corporation of America, LabCorp); PubMed 20708934 (cited by Women's Health and Genetics/Laboratory Corporation of America, LabCorp); PubMed 23861362 (cited by Ambry Genetics); PubMed 24271327 (cited by Illumina Laboratory Services, Illumina); PubMed 10053013 (cited by OMIM).